The following is an entry in ClinVar:

ClinVar aggregate classification (germline): Pathogenic (1 of 4 stars; one submission).

Conditions:
Polycystic kidney disease 2 (PKD2). Also called: Polycystic Kidney Disease 2, Autosomal Dominant; POLYCYSTIC KIDNEY DISEASE, ADULT, TYPE II; POLYCYSTIC KIDNEY DISEASE 2 WITH OR WITHOUT POLYCYSTIC LIVER DISEASE. Identifiers: MedGen C2751306, MONDO:0013131, OMIM 613095.

Submission:

The Genetics Institute, Rambam Health Care Campus
Classification: Pathogenic for Polycystic kidney disease 2. Last evaluated: 2025-05-01. Review status: criteria provided, single submitter. Criteria: ACMG Guidelines, 2015. Collection method: clinical testing. Allele origin: unknown. Affected: yes. Observed: 6 variant alleles. Clinical features observed: Nephrocalcinosis (HP:0000121), Polycystic kidney disease (HP:0000113).
Comment: [PVS1, PS4_m, PP1, PM2_s] NM_000297.4(PKD2):c.513_528dup;p.(His177Glyfs*41) is a duplication of 16 bases that causes a frameshift in exon 1. Similar and adjacent truncating variants have been reported as pathogens in the ADPKD-Mayo Clinic database and ClinVar. This variant has not been reported in the literature in individuals affected with ADPKD-related conditions. The c.513_528dup variant is absent from the Genome Aggregation Database (v.2), indicating it is not a common polymorphism. Based on the above information, the c.513_528dup variant is considered to be pathogenic.

NM_000297.4(PKD2):c.513_528dup (p.His177fs)

Genes: PKD2 (polycystin 2, transient receptor potential cation channel; plus strand), LOC129992813 (ATAC-STARR-seq lymphoblastoid silent region 15559; plus strand). Cytogenetic location: 4q22.1.
Variant type: Duplication.
Coding change: c.513_528dup on transcript NM_000297.4 (MANE Select); coding-DNA positions 513 to 528, 16 bases duplicated (GGACCCGCTGCATCGC).
Protein change: p.His177fs; shifts the reading frame from histidine 177.
Molecular consequence: frameshift variant. On other transcripts: non-coding transcript variant (1).
Genome position (GRCh38, 1-based): chr4:88,008,246-88,008,261, GGACCCGCTGCATCGC duplicated. VCF-style (leftmost placement, unchanged base first): chr4-88008245-G-GGGACCCGCTGCATCGC. GRCh37 (hg19) VCF-style: chr4-88929397-G-GGGACCCGCTGCATCGC.
Other names: short protein forms H177fs.
Identifiers: ClinVar variation 3900048 (VCV003900048.1).